The following is an entry in ClinVar:

NM_025114.4(CEP290):c.2551G>C (p.Val851Leu)

Gene: CEP290 (centrosomal protein 290; minus strand). Cytogenetic location: 12q21.32.
Variant type: single nucleotide variant.
Coding change: c.2551G>C on transcript NM_025114.4 (MANE Select); coding-DNA position 2551, G replaced by C.
Protein change: p.Val851Leu; replaces valine 851 with leucine.
Molecular consequence: missense variant.
Genome position (GRCh38, 1-based): chr12:88,107,031, C>G on the plus strand (G>C on the coding strand, the complement: CEP290 is on the minus strand). VCF-style: chr12-88107031-C-G. GRCh37 (hg19) VCF-style: chr12-88500808-C-G.
Other names: short protein forms V851L.
Identifiers: ClinVar variation 5001915 (VCV005001915.1).
Genomic context (GRCh38, chr12:88,107,031, plus strand): 5'-CTAATGTTAAAAATGTTTTACTTACATTATATTCTTTTACTTTTATAGCATCTTGTTGGA[C>G]TTGATCCTCAAGTTTTCTCTTTTCCTCTTTTATTGTTTTAGATTCTGTTTTCCAGGTCTC-3'
Protein context (NP_079390.3, residues 841-861): KEEKRKLEDQ[Val851Leu]QQDAIKVKEY

ClinVar aggregate classification (germline): Uncertain significance (1 of 4 stars; one submission).

Conditions:
CEP290-related disorder. Also called: CEP290-related condition; CEP290-related disorders. Identifiers: MedGen CN239314.

Submission:

PreventionGenetics, part of Exact Sciences
Classification: Uncertain significance for CEP290-related condition. Last evaluated: 2025-04-22. Review status: criteria provided, single submitter. Criteria: ACMG Guidelines, 2015. Collection method: clinical testing. Allele origin: germline.
Comment: The CEP290 c.2551G>C variant is predicted to result in the amino acid substitution p.Val851Leu. To our knowledge, this variant has not been reported in the literature or in a large population database (gnomAD), indicating this variant is rare. At this time, the clinical significance of this variant is uncertain due to the absence of conclusive functional and genetic evidence.